The following is an entry in ClinVar:

ClinVar aggregate classification (germline): Uncertain significance (1 of 4 stars; one submission).

Allele frequency attached by ClinVar (database versions not stated): gnomAD exomes below 0.00001; TOPMed below 0.00001.
gnomAD v4.1: 1 of 1,614,176 alleles (0.000062%); highest among the groups gnomAD compares: Admixed American, 0.0017%; no homozygotes.

Submission:

Labcorp Genetics (formerly Invitae), Labcorp
Classification: Uncertain significance. Last evaluated: 2024-03-11. Review status: criteria provided, single submitter. Criteria: Invitae Variant Classification Sherloc (09022015). Collection method: clinical testing. Allele origin: germline.
Comment: This sequence change replaces leucine, which is neutral and non-polar, with phenylalanine, which is neutral and non-polar, at codon 1230 of the GPR179 protein (p.Leu1230Phe). This variant is present in population databases (no rsID available, gnomAD 0.003%). This variant has not been reported in the literature in individuals affected with GPR179-related conditions. ClinVar contains an entry for this variant (Variation ID: 1966670). An algorithm developed to predict the effect of missense changes on protein structure and function (PolyPhen-2) suggests that this variant is likely to be tolerated. In summary, the available evidence is currently insufficient to determine the role of this variant in disease. Therefore, it has been classified as a Variant of Uncertain Significance.

NM_001004334.4(GPR179):c.3688C>T (p.Leu1230Phe)

Gene: GPR179 (G protein-coupled receptor 179; minus strand). Cytogenetic location: 17q12.
Variant type: single nucleotide variant.
Coding change: c.3688C>T on transcript NM_001004334.4 (MANE Select); coding-DNA position 3688, C replaced by T.
Protein change: p.Leu1230Phe; replaces leucine 1230 with phenylalanine.
Molecular consequence: missense variant.
Genome position (GRCh38, 1-based): chr17:38,329,881, G>A on the plus strand (C>T on the coding strand, the complement: GPR179 is on the minus strand). VCF-style: chr17-38329881-G-A. GRCh37 (hg19) VCF-style: chr17-36485764-G-A.
Other names: short protein forms L1230F.
Identifiers: ClinVar variation 1966670 (VCV001966670.5), dbSNP rs1325024394, ClinGen allele CA398878745.